The following is an entry in ClinVar:

NM_005076.5(CNTN2):c.2845-3C>T

Genes: CNTN2 (contactin 2; plus strand), LOC126805985 (MED14-independent group 3 enhancer GRCh37_chr1:205041546-205042745; plus strand). Cytogenetic location: 1q32.1.
Variant type: single nucleotide variant.
Coding change: c.2845-3C>T on transcript NM_005076.5 (MANE Select); 3 bases into the intron before coding-DNA position 2845, C replaced by T.
Molecular consequence: intron variant.
Genome position (GRCh38, 1-based): chr1:205,073,065, C>T. VCF-style: chr1-205073065-C-T. GRCh37 (hg19) VCF-style: chr1-205042193-C-T.
Other names: c.2845-3C>T (NM_001346083.2).
Identifiers: ClinVar variation 2195336 (VCV002195336.1), dbSNP rs367839457, ClinGen allele CA1351818.

ClinVar aggregate classification (germline): Uncertain significance (1 of 4 stars; one submission).

Conditions:
Epilepsy, familial adult myoclonic, 5 (EPEO5). Also called: CORTICAL MYOCLONIC TREMOR WITH EPILEPSY, FAMILIAL, 5. Identifiers: Orphanet 86814, MedGen C3809374, MONDO:0014167, OMIM 615400.

Allele frequency attached by ClinVar (database versions not stated): gnomAD exomes 0.00001; ExAC 0.00002; gnomAD 0.00002; TOPMed 0.00002; ESP Exome Variant Server 0.00008.
gnomAD v4.1: 20 of 1,613,924 alleles (0.0012%); highest among the groups gnomAD compares: Non-Finnish European, 0.0016%; no homozygotes.

Submission:

Labcorp Genetics (formerly Invitae), Labcorp
Classification: Uncertain significance for Epilepsy, familial adult myoclonic, 5. Last evaluated: 2022-07-24. Review status: criteria provided, single submitter. Criteria: Invitae Variant Classification Sherloc (09022015). Collection method: clinical testing. Allele origin: germline.
Comment: This sequence change falls in intron 21 of the CNTN2 gene. It does not directly change the encoded amino acid sequence of the CNTN2 protein. It affects a nucleotide within the consensus splice site. This variant is present in population databases (rs367839457, gnomAD 0.002%). This variant has not been reported in the literature in individuals affected with CNTN2-related conditions. Variants that disrupt the consensus splice site are a relatively common cause of aberrant splicing (PMID: 17576681, 9536098). Algorithms developed to predict the effect of sequence changes on RNA splicing suggest that this variant is not likely to affect RNA splicing. In summary, the available evidence is currently insufficient to determine the role of this variant in disease. Therefore, it has been classified as a Variant of Uncertain Significance.

Literature cited by the submitters: PubMed 17576681; PubMed 9536098.